The following is an entry in ClinVar:

NM_020207.7(ERCC6L2):c.1443G>T (p.Gln481His)

Gene: ERCC6L2 (ERCC excision repair 6 like 2; plus strand). Cytogenetic location: 9q22.32.
Variant type: single nucleotide variant.
Coding change: c.1443G>T on transcript NM_020207.7 (MANE Select); coding-DNA position 1443, G replaced by T.
Protein change: p.Gln481His; replaces glutamine 481 with histidine.
Molecular consequence: missense variant. On other transcripts: non-coding transcript variant (1).
Genome position (GRCh38, 1-based): chr9:95,923,289, G>T. VCF-style: chr9-95923289-G-T. GRCh37 (hg19) VCF-style: chr9-98685571-G-T.
Other names: c.1443G>T, p.Gln481His (NM_001010895.4, NM_001375291.1, NM_001375292.1 and 2 more transcripts); short protein forms Q481H.
Identifiers: ClinVar variation 1489007 (VCV001489007.21), dbSNP rs1406025656, ClinGen allele CA374125027.
Genomic context (GRCh38, chr9:95,923,289, plus strand): 5'-AATATCTTTTCTTCTGCCTTTTCCCTTCAAGGAAACACTTATCAAAAGGATATGTGATCA[G>T]GTATTTTCCAGATTCCCAGATTTTGTGCAGAAAAGCAAAGATGCAGCCTTTGAAACACTT-3'
Protein context (NP_064592.3, residues 471-491): QETLIKRICD[Gln481His]VFSRFPDFVQ

ClinVar aggregate classification (germline): Uncertain significance. Review status: criteria provided, multiple submitters, no conflicts (2 of 4 stars). 2 submissions from 2 submitters: Uncertain significance (2). Last evaluated 2025-12-08.

Allele frequency attached by ClinVar (database versions not stated): gnomAD 0.00001; gnomAD exomes 0.00001.
gnomAD v4.1: 16 of 1,613,532 alleles (0.00099%); highest among the groups gnomAD compares: Non-Finnish European, 0.0013%; no homozygotes.

Submissions (2):

Labcorp Genetics (formerly Invitae), Labcorp
Classification: Uncertain significance. Last evaluated: 2025-12-08. Review status: criteria provided, single submitter. Criteria: Invitae Variant Classification Sherloc (09022015). Collection method: clinical testing. Allele origin: germline.
Comment: This sequence change replaces glutamine, which is neutral and polar, with histidine, which is basic and polar, at codon 492 of the ERCC6L2 protein (p.Gln492His). This variant is present in population databases (no rsID available, gnomAD 0.007%). This variant has not been reported in the literature in individuals affected with ERCC6L2-related conditions. ClinVar contains an entry for this variant (Variation ID: 1489007). Experimental studies and prediction algorithms are not available or were not evaluated, and the functional significance of this variant is currently unknown. Algorithms developed to predict the effect of sequence changes on RNA splicing suggest that this variant may disrupt the consensus splice site. In summary, the available evidence is currently insufficient to determine the role of this variant in disease. Therefore, it has been classified as a Variant of Uncertain Significance.

CeGaT Center for Human Genetics Tuebingen
Classification: Uncertain significance. Last evaluated: 2024-07-01. Review status: criteria provided, single submitter. Criteria: CeGaT Center For Human Genetics Tuebingen Variant Classification Criteria Version 2. Collection method: clinical testing. Allele origin: germline. Affected: yes. Observed: 1 variant allele.
Comment: ERCC6L2: PM2